The following is an entry in ClinVar:

ClinVar aggregate classification (germline): Likely benign. Review status: criteria provided, multiple submitters, no conflicts (2 of 4 stars). 2 submissions from 2 submitters: Likely benign (2). Last evaluated 2026-02-04.

Conditions:
ANKRD1-related disorder. Also called: ANKRD1-related condition.
ANKRD1-related dilated cardiomyopathy. Identifiers: MedGen CN119551.

Submissions (2):

PreventionGenetics, part of Exact Sciences
Classification: Likely benign for ANKRD1-related condition. Last evaluated: 2026-02-04. Review status: criteria provided, single submitter. Criteria: ACMG Guidelines, 2015. Collection method: clinical testing. Allele origin: germline.
Comment: This variant is classified as likely benign based on ACMG/AMP sequence variant interpretation guidelines (Richards et al. 2015 PMID: 25741868, with internal and published modifications).

Labcorp Genetics (formerly Invitae), Labcorp
Classification: Likely benign for ANKRD1-related dilated cardiomyopathy. Last evaluated: 2025-01-22. Review status: criteria provided, single submitter. Criteria: Invitae Variant Classification Sherloc (09022015). Collection method: clinical testing. Allele origin: germline.

NM_014391.3(ANKRD1):c.346-43AT[17]

Gene: ANKRD1 (ankyrin repeat domain 1; minus strand). Cytogenetic location: 10q23.31.
Variant type: Microsatellite.
Coding change: c.346-43AT[17] on transcript NM_014391.3 (MANE Select); 17 copies in a row of the 2-base unit AT starting at c.346-43; the reference has 12 copies in a row; five copies, 10 bases duplicated.
Molecular consequence: intron variant.
Genome position (GRCh38, 1-based): chr10:90,918,992-90,919,001, ATATATATAT duplicated on the plus strand (ATATATATAT on the coding strand, the reverse complement: ANKRD1 is on the minus strand); duplicating any 10 consecutive bases within chr10:90,918,992-90,919,016 gives the same sequence; the position shown is the placement nearest the transcript's 3' end. VCF-style (leftmost placement, unchanged base first): chr10-90918991-A-AATATATATAT. GRCh37 (hg19) VCF-style: chr10-92678748-A-AATATATATAT.
Other names: c.346-29_346-20dup10 (NM_014391.2).
Identifiers: ClinVar variation 1532326 (VCV001532326.9), dbSNP rs60406118, ClinGen allele CA669781048.
Genomic context (GRCh38, chr10:90,918,991, plus strand): 5'-CAGAGCAGCCTTCAGAAACGTAGGCACATCCACAGGTTCCGTCTAAAGCCAAAATAAATA[A>AATATATATAT]ATATATATATATATATATATATATAGCATGAGAGTTACCGTGAGCTTGCCAGCATTCAAT-3'